The following is an entry in ClinVar:

ClinVar aggregate classification (germline): Pathogenic (1 of 4 stars; one submission).

Submission:

Labcorp Genetics (formerly Invitae), Labcorp
Classification: Pathogenic. Last evaluated: 2022-10-10. Review status: criteria provided, single submitter. Criteria: Invitae Variant Classification Sherloc (09022015). Collection method: clinical testing. Allele origin: germline.
Comment: A gross deletion of the genomic region encompassing the full coding sequence of the FZD4 gene has been identified. Loss-of-function variants in FZD4 are known to be pathogenic (PMID: 25711638, 26244290). The boundaries of this event are unknown as they extend beyond the assayed region for this gene and therefore may encompass additional genes. A similar copy number variant has been observed in individual(s) with familial exudative vitreoretinopathy (PMID: 26244290). For these reasons, this variant has been classified as Pathogenic.

Literature cited by the submitters: PubMed 25711638; PubMed 26244290.

NC_000011.9:g.(?_86662184)_(86666127_?)del

Gene: FZD4 (frizzled class receptor 4; minus strand). Cytogenetic location: 11q14.2.
Variant type: Deletion.
Identifiers: ClinVar variation 2425773 (VCV002425773.3).